The following is an entry in ClinVar:

NM_024675.4(PALB2):c.1377C>G (p.Asp459Glu)

Gene: PALB2 (partner and localizer of BRCA2; minus strand). Cytogenetic location: 16p12.2.
Variant type: single nucleotide variant.
Coding change: c.1377C>G on transcript NM_024675.4 (MANE Select); coding-DNA position 1377, C replaced by G.
Protein change: p.Asp459Glu; replaces aspartic acid 459 with glutamic acid.
Molecular consequence: missense variant.
Genome position (GRCh38, 1-based): chr16:23,635,169, G>C on the plus strand (C>G on the coding strand, the complement: PALB2 is on the minus strand). VCF-style: chr16-23635169-G-C. GRCh37 (hg19) VCF-style: chr16-23646490-G-C.
Other names: short protein forms D459E.
Identifiers: ClinVar variation 567341 (VCV000567341.13), dbSNP rs771002573, ClinGen allele CA395131410.

ClinVar aggregate classification (germline): Conflicting classifications of pathogenicity. Review status: criteria provided, conflicting classifications (1 of 4 stars). 3 submissions from 3 submitters: Uncertain significance (2); Likely benign (1). Last evaluated 2025-10-28.

Conditions:
Familial cancer of breast. Also called: BREAST CANCER, FAMILIAL; Hereditary breast cancer; hereditary breast carcinoma. Identifiers: Orphanet 227535, MedGen C0346153, MONDO:0016419, OMIM 114480. Disease mechanism: loss of function.
Hereditary cancer-predisposing syndrome. Also called: Neoplastic Syndromes, Hereditary; Tumor predisposition; Hereditary neoplastic syndrome; Hereditary Cancer Syndrome. Identifiers: Orphanet 140162, MedGen C0027672, MeSH D009386, MONDO:0015356.

Submissions (3):

Ambry Genetics
Classification: Likely benign for Hereditary cancer-predisposing syndrome. Last evaluated: 2025-10-28. Review status: criteria provided, single submitter. Criteria: Ambry Variant Classification Scheme 2023. Collection method: clinical testing. Allele origin: germline.

Labcorp Genetics (formerly Invitae), Labcorp
Classification: Uncertain significance for Familial cancer of breast. Last evaluated: 2023-01-22. Review status: criteria provided, single submitter. Criteria: Invitae Variant Classification Sherloc (09022015). Collection method: clinical testing. Allele origin: germline.
Comment: This missense change has been observed in individual(s) with a personal and/or family history of breast and/or ovarian cancer (PMID: 26564480). This variant is not present in population databases (gnomAD no frequency). This sequence change replaces aspartic acid, which is acidic and polar, with glutamic acid, which is acidic and polar, at codon 459 of the PALB2 protein (p.Asp459Glu). ClinVar contains an entry for this variant (Variation ID: 567341). In summary, the available evidence is currently insufficient to determine the role of this variant in disease. Therefore, it has been classified as a Variant of Uncertain Significance. Advanced modeling of protein sequence and biophysical properties (such as structural, functional, and spatial information, amino acid conservation, physicochemical variation, residue mobility, and thermodynamic stability) performed at Invitae indicates that this missense variant is not expected to disrupt PALB2 protein function.

Color Diagnostics, LLC DBA Color Health
Classification: Uncertain significance for Hereditary cancer-predisposing syndrome. Last evaluated: 2018-07-29. Review status: criteria provided, single submitter. Criteria: ACMG Guidelines, 2015. Collection method: clinical testing. Allele origin: germline.

Literature cited by the submitters: PubMed 26564480 (cited by Labcorp Genetics (formerly Invitae), Labcorp).